The following is an entry in ClinVar:

ClinVar aggregate classification (germline): Uncertain significance (1 of 4 stars; one submission).

Conditions:
Cardiovascular phenotype. Identifiers: MedGen CN230736.

Allele frequency attached by ClinVar (database versions not stated): gnomAD exomes below 0.00001; TOPMed below 0.00001.

Submission:

Ambry Genetics
Classification: Uncertain significance for Cardiovascular phenotype. Last evaluated: 2023-03-16. Review status: criteria provided, single submitter. Criteria: Ambry Variant Classification Scheme 2023. Collection method: clinical testing. Allele origin: germline.
Comment: The p.I195F variant (also known as c.583A>T), located in coding exon 3 of the APOE gene, results from an A to T substitution at nucleotide position 583. The isoleucine at codon 195 is replaced by phenylalanine, an amino acid with highly similar properties. This amino acid position is conserved. In addition, this alteration is predicted to be tolerated by in silico analysis. Since supporting evidence is limited at this time, the clinical significance of this alteration remains unclear.

NM_000041.4(APOE):c.583A>T (p.Ile195Phe)

Gene: APOE (apolipoprotein E; plus strand). Cytogenetic location: 19q13.32.
Variant type: single nucleotide variant.
Coding change: c.583A>T on transcript NM_000041.4 (MANE Select); coding-DNA position 583, A replaced by T.
Protein change: p.Ile195Phe; replaces isoleucine 195 with phenylalanine.
Molecular consequence: missense variant.
Genome position (GRCh38, 1-based): chr19:44,908,879, A>T. VCF-style: chr19-44908879-A-T. GRCh37 (hg19) VCF-style: chr19-45412136-A-T.
Other names: c.661A>T, p.Ile221Phe (NM_001302688.2); c.583A>T, p.Ile195Phe (NM_001302689.2, NM_001302690.2, NM_001302691.2); short protein forms I195F, I221F.
Identifiers: ClinVar variation 2562131 (VCV002562131.2), dbSNP rs1380773651, ClinGen allele CA406304307.